The following is an entry in ClinVar:

ClinVar aggregate classification (germline): Pathogenic (1 of 4 stars; one submission).

Conditions:
Arrhythmogenic cardiomyopathy with wooly hair and keratoderma. Also called: PALMOPLANTAR KERATODERMA WITH LEFT VENTRICULAR CARDIOMYOPATHY AND WOOLLY HAIR; Carvajal syndrome; Dilated cardiomyopathy with woolly hair and keratoderma; Arrhythmogenic cardiomyopathy with woolly hair and keratoderma. Identifiers: Orphanet 65282, MedGen C1854063, MONDO:0011581, OMIM 605676.
Arrhythmogenic right ventricular dysplasia 8 (ARVD8). Also called: Arrhythmogenic Right Ventricular Dysplasia/Cardiomyopathy 8; ARRHYTHMOGENIC RIGHT VENTRICULAR DYSPLASIA, FAMILIAL, 8; ARRHYTHMOGENIC RIGHT VENTRICULAR CARDIOMYOPATHY 8. Identifiers: MedGen C1843896, MONDO:0011831, OMIM 607450.

Submission:

Labcorp Genetics (formerly Invitae), Labcorp
Classification: Pathogenic for Arrhythmogenic cardiomyopathy with wooly hair and keratoderma; Arrhythmogenic right ventricular dysplasia 8. Last evaluated: 2025-05-04. Review status: criteria provided, single submitter. Criteria: Invitae Variant Classification Sherloc (09022015). Collection method: clinical testing. Allele origin: germline.
Comment: This sequence change creates a premature translational stop signal (p.Ser1349Argfs*2) in the DSP gene. It is expected to result in an absent or disrupted protein product. Loss-of-function variants in DSP are known to be pathogenic (PMID: 20716751, 24503780, 25227139). This variant is not present in population databases (gnomAD no frequency). This variant has not been reported in the literature in individuals affected with DSP-related conditions. ClinVar contains an entry for this variant (Variation ID: 2950362). For these reasons, this variant has been classified as Pathogenic.

Literature cited by the submitters: PubMed 20716751; PubMed 24503780; PubMed 25227139.

NM_004415.4(DSP):c.4044_4047del (p.Ser1349fs)

Gene: DSP (desmoplakin; plus strand). Cytogenetic location: 6p24.3.
Variant type: Deletion.
Coding change: c.4044_4047del on transcript NM_004415.4 (MANE Select); coding-DNA positions 4044 to 4047, 4 bases deleted (GAGT; older notation c.4044_4047delGAGT).
Protein change: p.Ser1349fs; shifts the reading frame from serine 1349.
Molecular consequence: frameshift variant. On other transcripts: intron variant (1).
Genome position (GRCh38, 1-based): chr6:7,580,234-7,580,237, GAGT deleted; deleting any 4 consecutive bases within chr6:7,580,233-7,580,237 gives the same sequence; the c. name uses the placement nearest the transcript's 3' end. VCF-style (leftmost placement, unchanged base first): chr6-7580232-CTGAG-C. GRCh37 (hg19) VCF-style: chr6-7580465-CTGAG-C.
Other names: c.4044_4047del, p.Ser1349fs (NM_001319034.2); c.3582+462_3582+465del (NM_001008844.3); short protein forms S1349fs.
Identifiers: ClinVar variation 2950362 (VCV002950362.3), dbSNP rs2533927239, ClinGen allele CA2740090880.
Genomic context (GRCh38, chr6:7,580,232, plus strand): 5'-GAGAGACTCAAAGCTGAGTTTCAGGAGGAGGCCAAGCGCCGCTGGGAATATGAAAATGAA[CTGAG>C]TAAGGTAAGAAACAATTATGATGAGGAGATCATTAGCTTAAAAAATCAGTTTGAGACCGA-3'